The following is an entry in ClinVar:

NM_000426.4(LAMA2):c.790A>T (p.Arg264Ter)

Gene: LAMA2 (laminin subunit alpha 2; plus strand). Cytogenetic location: 6q22.33.
Variant type: single nucleotide variant.
Coding change: c.790A>T on transcript NM_000426.4 (MANE Select); coding-DNA position 790, A replaced by T.
Protein change: p.Arg264Ter; replaces arginine 264 with a stop codon.
Molecular consequence: nonsense.
Genome position (GRCh38, 1-based): chr6:129,144,051, A>T. VCF-style: chr6-129144051-A-T. GRCh37 (hg19) VCF-style: chr6-129465196-A-T.
Other names: c.790A>T, p.Arg264Ter (NM_001079823.2); short protein forms R264*.
Identifiers: ClinVar variation 983907 (VCV000983907.4), dbSNP rs1778283565, ClinGen allele CA365606188.

ClinVar aggregate classification (germline): Likely pathogenic (1 of 4 stars; one submission).

Conditions:
LAMA2-related muscular dystrophy (LAMA2-RD). Also called: Laminin alpha 2-related dystrophy. Identifiers: MedGen C5679788, MONDO:0100228.

Submission:

Myriad Genetics, Inc.
Classification: Likely pathogenic for LAMA2-related muscular dystrophy. Last evaluated: 2020-03-03. Review status: criteria provided, single submitter. Criteria: Myriad Autosomal Dominant, Autosomal Recessive and X-Linked Classification Criteria (2023). Collection method: clinical testing. Allele origin: unknown.
Comment: NM_000426.3(LAMA2):c.790A>T(R264*) is expected to be pathogenic in the context of LAMA2-related muscular dystrophy. This variant is predicted to lead to an abnormal or absent protein product due to the creation of a premature termination codon in LAMA2, a gene where loss-of-function variants are known to be pathogenic. Please note: this variant was assessed in the context of healthy population screening.